The following is an entry in ClinVar:

ClinVar aggregate classification (germline): Uncertain significance (1 of 4 stars; one submission).

Conditions:
DICER1-related tumor predisposition. Also called: DICER1-related pleuropulmonary blastoma cancer predisposition syndrome; DICER1 syndrome. Identifiers: Orphanet 284343, MedGen C3839822, MONDO:0100216.

Submission:

Labcorp Genetics (formerly Invitae), Labcorp
Classification: Uncertain significance for DICER1-related tumor predisposition. Last evaluated: 2023-08-20. Review status: criteria provided, single submitter. Criteria: Invitae Variant Classification Sherloc (09022015). Collection method: clinical testing. Allele origin: germline.
Comment: This variant, c.4870_4872del, results in the deletion of 1 amino acid(s) of the DICER1 protein (p.Ala1624del), but otherwise preserves the integrity of the reading frame. This variant is not present in population databases (gnomAD no frequency). This variant has not been reported in the literature in individuals affected with DICER1-related conditions. Experimental studies and prediction algorithms are not available or were not evaluated, and the functional significance of this variant is currently unknown. In summary, the available evidence is currently insufficient to determine the role of this variant in disease. Therefore, it has been classified as a Variant of Uncertain Significance.

NM_177438.3(DICER1):c.4864GCT[2] (p.Ala1624del)

Gene: DICER1 (dicer 1, ribonuclease III; minus strand). Cytogenetic location: 14q32.13.
Variant type: Microsatellite.
Coding change: c.4864GCT[2] on transcript NM_177438.3 (MANE Select); two copies in a row of the 3-base unit GCT starting at c.4864; the reference has three copies in a row; one copy, 3 bases deleted.
Protein change: p.Ala1624del; deletes alanine 1624.
Molecular consequence: inframe deletion. On other transcripts: inframe indel (1), non-coding transcript variant (6).
Genome position (GRCh38, 1-based): chr14:95,096,048-95,096,050, AGC deleted on the plus strand (GCT on the coding strand, the reverse complement: DICER1 is on the minus strand); deleting any 3 consecutive bases within chr14:95,096,048-95,096,057 gives the same sequence; the position shown is the placement nearest the transcript's 3' end. VCF-style (leftmost placement, unchanged base first): chr14-95096047-AAGC-A. GRCh37 (hg19) VCF-style: chr14-95562384-AAGC-A.
Other names: c.4864GCT[2], p.Ala1624del (NM_001195573.1, NM_001271282.3, NM_001291628.2 and 12 more transcripts); c.4863_4865TGC[2], p.Ala1624del (NM_001395681.1); c.4582GCT[2], p.Ala1530del (NM_001395686.1); c.4459GCT[2], p.Ala1489del (NM_001395687.1, NM_001395688.1, NM_001395689.1 and 2 more transcripts); c.4297GCT[2], p.Ala1435del (NM_001395691.1); c.3181GCT[2], p.Ala1063del (NM_001395697.1); short protein forms A1530del, A1624del, A1063del, A1435del, A1489del.
Identifiers: ClinVar variation 2754114 (VCV002754114.3), dbSNP rs2139841486, ClinGen allele CA2697554160.